The following is an entry in ClinVar:

ClinVar aggregate classification (germline): Uncertain significance (1 of 4 stars; one submission).

Conditions:
RASopathy. Also called: rasopathies; Noonan spectrum disorder. Identifiers: Orphanet 536391, MedGen C5555857, MONDO:0021060.

Submission:

Labcorp Genetics (formerly Invitae), Labcorp
Classification: Uncertain significance for RASopathy. Last evaluated: 2021-04-25. Review status: criteria provided, single submitter. Criteria: Invitae Variant Classification Sherloc (09022015). Collection method: clinical testing. Allele origin: germline.
Comment: In summary, the available evidence is currently insufficient to determine the role of this variant in disease. Therefore, it has been classified as a Variant of Uncertain Significance. Advanced modeling of protein sequence and biophysical properties (such as structural, functional, and spatial information, amino acid conservation, physicochemical variation, residue mobility, and thermodynamic stability) performed at Invitae indicates that this missense variant is not expected to disrupt SOS1 protein function. This variant has not been reported in the literature in individuals with SOS1-related conditions. This variant is not present in population databases (ExAC no frequency). This sequence change replaces glycine with glutamic acid at codon 719 of the SOS1 protein (p.Gly719Glu). The glycine residue is moderately conserved and there is a moderate physicochemical difference between glycine and glutamic acid.

NM_005633.4(SOS1):c.2156G>A (p.Gly719Glu)

Gene: SOS1 (SOS Ras/Rac guanine nucleotide exchange factor 1; minus strand). Cytogenetic location: 2p22.1.
Variant type: single nucleotide variant.
Coding change: c.2156G>A on transcript NM_005633.4 (MANE Select); coding-DNA position 2156, G replaced by A.
Protein change: p.Gly719Glu; replaces glycine 719 with glutamic acid.
Molecular consequence: missense variant.
Genome position (GRCh38, 1-based): chr2:39,013,471, C>T on the plus strand (G>A on the coding strand, the complement: SOS1 is on the minus strand). VCF-style: chr2-39013471-C-T. GRCh37 (hg19) VCF-style: chr2-39240612-C-T.
Other names: c.2135G>A, p.Gly712Glu (NM_001382394.1); c.2156G>A, p.Gly719Glu (NM_001382395.1); short protein forms G712E, G719E.
Identifiers: ClinVar variation 1474323 (VCV001474323.8), dbSNP rs200794965, ClinGen allele CA346364520.